The following is an entry in ClinVar:

ClinVar aggregate classification (germline): Benign/Likely benign. Review status: criteria provided, multiple submitters, no conflicts (2 of 4 stars). 3 submissions from 3 submitters: Benign (1); Likely benign (1). 1 of the submissions does not count toward it. Last evaluated 2026-06-01.

Conditions:
Systemic lupus erythematosus (SLE). Identifiers: Orphanet 536, MedGen C0024141, MONDO:0007915, OMIM 152700, HP:0002725.

Allele frequency attached by ClinVar (database versions not stated): 1000 Genomes Project 0.00399; 1000 Genomes Project 30x 0.00406; ExAC 0.01039; gnomAD 0.01113 and 0.01146; TOPMed 0.01117; gnomAD exomes 0.01174; ESP Exome Variant Server 0.01269.
gnomAD v4.1: 26,609 of 1,596,420 alleles (1.7%); highest among the groups gnomAD compares: Non-Finnish European, 2%; 276 homozygotes.

Submissions (3):

CeGaT Center for Human Genetics Tuebingen
Classification: Benign. Last evaluated: 2026-06-01. Review status: criteria provided, single submitter. Criteria: CeGaT Center For Human Genetics Tuebingen Variant Classification Criteria Version 2. Collection method: clinical testing. Allele origin: germline. Affected: yes. Observed: 7 variant alleles.
Comment: BANK1: BS1, BS2

Breakthrough Genomics
Classification: Likely benign. Review status: criteria provided, single submitter. Criteria: ACMG Guidelines, 2015. Collection method: not provided. Allele origin: germline. Inheritance: Unknown mechanism. Affected: yes.

Carola Vinuesa Lab, John Curtin School of Medical Research
Classification: Benign for Systemic lupus erythematosus. Review status: no assertion criteria provided. Collection method: research. Allele origin: germline. Affected: yes. Not counted in ClinVar's aggregate classification.

NM_017935.5(BANK1):c.120G>C (p.Trp40Cys)

Gene: BANK1 (B cell scaffold protein with ankyrin repeats 1; plus strand). Cytogenetic location: 4q24.
Variant type: single nucleotide variant.
Coding change: c.120G>C on transcript NM_017935.5 (MANE Select); coding-DNA position 120, G replaced by C.
Protein change: p.Trp40Cys; replaces tryptophan 40 with cysteine.
Molecular consequence: missense variant. On other transcripts: intron variant (1).
Genome position (GRCh38, 1-based): chr4:101,829,857, G>C. VCF-style: chr4-101829857-G-C. GRCh37 (hg19) VCF-style: chr4-102751014-G-C.
Other names: c.30G>C, p.Trp10Cys (NM_001083907.3); c.71-25178G>C (NM_001127507.3); short protein forms W40C, W10C.
Identifiers: ClinVar variation 619210 (VCV000619210.26), dbSNP rs35978636, ClinGen allele CA3024737.